The following is an entry in ClinVar:

ClinVar aggregate classification (germline): Uncertain significance (1 of 4 stars; one submission).

Conditions:
Congenital myopathy with internal nuclei and atypical cores. Also called: Myopathy, centronuclear, 4. Identifiers: Orphanet 319160, MedGen C4707232, MONDO:0013890, OMIM 614807.

Submission:

Labcorp Genetics (formerly Invitae), Labcorp
Classification: Uncertain significance for Congenital myopathy with internal nuclei and atypical cores. Last evaluated: 2022-01-13. Review status: criteria provided, single submitter. Criteria: Invitae Variant Classification Sherloc (09022015). Collection method: clinical testing. Allele origin: germline.
Comment: In summary, the available evidence is currently insufficient to determine the role of this variant in disease. Therefore, it has been classified as a Variant of Uncertain Significance. Algorithms developed to predict the effect of missense changes on protein structure and function output the following: SIFT: "Tolerated"; PolyPhen-2: "Possibly Damaging"; Align-GVGD: "Class C0". The serine amino acid residue is found in multiple mammalian species, which suggests that this missense change does not adversely affect protein function. This variant has not been reported in the literature in individuals affected with CCDC78-related conditions. This variant is not present in population databases (gnomAD no frequency). This sequence change replaces proline, which is neutral and non-polar, with serine, which is neutral and polar, at codon 320 of the CCDC78 protein (p.Pro320Ser).

NM_001378030.1(CCDC78):c.958C>T (p.Pro320Ser)

Gene: CCDC78 (coiled-coil domain containing 78; minus strand). Cytogenetic location: 16p13.3.
Variant type: single nucleotide variant.
Coding change: c.958C>T on transcript NM_001378030.1 (MANE Select); coding-DNA position 958, C replaced by T.
Protein change: p.Pro320Ser; replaces proline 320 with serine.
Molecular consequence: missense variant. On other transcripts: non-coding transcript variant (5), intron variant (1).
Genome position (GRCh38, 1-based): chr16:724,201, G>A on the plus strand (C>T on the coding strand, the complement: CCDC78 is on the minus strand). VCF-style: chr16-724201-G-A. GRCh37 (hg19) VCF-style: chr16-774201-G-A.
Other names: c.958C>T, p.Pro320Ser (NM_001031737.3); c.391C>T, p.Pro131Ser (NM_001378033.1); c.953+121C>T (NM_001378031.1); short protein forms P131S, P320S.
Identifiers: ClinVar variation 2082220 (VCV002082220.4), dbSNP rs2543994055, ClinGen allele CA394099199.